The following is an entry in ClinVar:

ClinVar aggregate classification (germline): Uncertain significance (1 of 4 stars; one submission).

Allele frequency attached by ClinVar (database versions not stated): TOPMed below 0.00001; gnomAD exomes 0.00001 and 0.00002; ExAC 0.00002.
gnomAD v4.1: 9 of 1,613,570 alleles (0.00056%); highest among the groups gnomAD compares: South Asian, 0.0022%; no homozygotes.

Submission:

Labcorp Genetics (formerly Invitae), Labcorp
Classification: Uncertain significance. Last evaluated: 2024-04-22. Review status: criteria provided, single submitter. Criteria: Invitae Variant Classification Sherloc (09022015). Collection method: clinical testing. Allele origin: germline.
Comment: This sequence change replaces valine, which is neutral and non-polar, with isoleucine, which is neutral and non-polar, at codon 284 of the ITGAM protein (p.Val284Ile). This variant is present in population databases (rs749635901, gnomAD 0.003%). This variant has not been reported in the literature in individuals affected with ITGAM-related conditions. ClinVar contains an entry for this variant (Variation ID: 1044609). An algorithm developed to predict the effect of missense changes on protein structure and function (PolyPhen-2) suggests that this variant is likely to be disruptive. In summary, the available evidence is currently insufficient to determine the role of this variant in disease. Therefore, it has been classified as a Variant of Uncertain Significance.

NM_000632.4(ITGAM):c.850G>A (p.Val284Ile)

Genes: ITGAM (integrin subunit alpha M; plus strand), LOC126862332 (BRD4-independent group 4 enhancer GRCh37_chr16:31284654-31285853; plus strand). Cytogenetic location: 16p11.2.
Variant type: single nucleotide variant.
Coding change: c.850G>A on transcript NM_000632.4 (MANE Select); coding-DNA position 850, G replaced by A.
Protein change: p.Val284Ile; replaces valine 284 with isoleucine.
Molecular consequence: missense variant.
Genome position (GRCh38, 1-based): chr16:31,273,510, G>A. VCF-style: chr16-31273510-G-A. GRCh37 (hg19) VCF-style: chr16-31284831-G-A.
Other names: c.850G>A, p.Val284Ile (NM_001145808.2); short protein forms V284I.
Identifiers: ClinVar variation 1044609 (VCV001044609.9), dbSNP rs749635901, ClinGen allele CA8025348.